The following is an entry in ClinVar:

ClinVar aggregate classification (germline): Uncertain significance (1 of 4 stars; one submission).

Conditions:
Glaucoma 3A. Also called: Glaucoma 3, primary congenital, A. Identifiers: Orphanet 98976, Orphanet 98977, MedGen C1856439, MONDO:0009277, OMIM 231300.
Anterior segment dysgenesis 6 (ASGD6). Also called: Anterior segment dysgenesis 6, multiple subtypes. Identifiers: MedGen C4310623, MONDO:0015016, OMIM 617315.

gnomAD v4.1: 11 of 1,613,082 alleles (0.00068%); highest among the groups gnomAD compares: Non-Finnish European, 0.00076%; no homozygotes.

Submission:

Juno Genomics, Hangzhou Juno Genomics, Inc
Classification: Uncertain significance for Anterior segment dysgenesis 6; Glaucoma 3A. Review status: criteria provided, single submitter. Criteria: ACMG Guidelines, 2015. Collection method: clinical testing. Allele origin: germline. Affected: yes.
Comment: Absent from controls (or at extremely low frequency if recessive) in Genome Aggregation Database, Exome Sequencing Project, 1000 Genomes Project, or Exome Aggregation Consortium.;Multiple lines of computational evidence support a deleterious effect on the gene or gene product (conservation, evolutionary, splicing impact, etc).;Patient's phenotype or family history is highly specific for a disease with a single genetic etiology.;For recessive disorders, detected in trans with a pathogenic variant.

NM_000104.4(CYP1B1):c.1093G>A (p.Gly365Arg)

Gene: CYP1B1 (cytochrome P450 family 1 subfamily B member 1; minus strand). Cytogenetic location: 2p22.2.
Variant type: single nucleotide variant.
Coding change: c.1093G>A on transcript NM_000104.4 (MANE Select); coding-DNA position 1093, G replaced by A.
Protein change: p.Gly365Arg; replaces glycine 365 with arginine.
Molecular consequence: missense variant.
Genome position (GRCh38, 1-based): chr2:38,071,261, C>T on the plus strand (G>A on the coding strand, the complement: CYP1B1 is on the minus strand). VCF-style: chr2-38071261-C-T. GRCh37 (hg19) VCF-style: chr2-38298404-C-T.
Other names: short protein forms G365R.
Identifiers: ClinVar variation 3382864 (VCV003382864.2).